The following is an entry in ClinVar:

ClinVar aggregate classification (germline): Uncertain significance. Review status: criteria provided, multiple submitters, no conflicts (2 of 4 stars). 4 submissions from 4 submitters: Uncertain significance (4). Last evaluated 2025-11-01.

Conditions:
COL11A1-related disorder. Also called: COL11A1-related disorders; COL11A1-related condition.
Inborn genetic diseases. Identifiers: MedGen C0950123, MeSH D030342.

Allele frequency attached by ClinVar (database versions not stated): TOPMed below 0.00001; ExAC 0.00001; gnomAD exomes 0.00001; ESP Exome Variant Server 0.00008.
gnomAD v4.1: 10 of 1,614,126 alleles (0.00062%); highest among the groups gnomAD compares: Non-Finnish European, 0.00085%; no homozygotes.

Submissions (4):

PreventionGenetics, part of Exact Sciences
Classification: Uncertain significance for COL11A1-related condition. Last evaluated: 2025-11-01. Review status: criteria provided, single submitter. Criteria: ACMG Guidelines, 2015. Collection method: clinical testing. Allele origin: germline.
Comment: The COL11A1 c.2633C>G variant is predicted to result in the amino acid substitution p.Pro878Arg. To our knowledge, this variant has not been reported in the literature or in a large population database (gnomAD), indicating this variant is rare. At this time, the clinical significance of this variant is uncertain due to the absence of conclusive functional and genetic evidence.

GeneDx
Classification: Uncertain significance. Last evaluated: 2024-07-25. Review status: criteria provided, single submitter. Criteria: GeneDx Variant Classification Process June 2021. Collection method: clinical testing. Allele origin: germline. Affected: yes.
Comment: Not observed at significant frequency in large population cohorts (gnomAD); In silico analysis supports that this missense variant has a deleterious effect on protein structure/function; Has not been previously published as pathogenic or benign to our knowledge

Labcorp Genetics (formerly Invitae), Labcorp
Classification: Uncertain significance. Last evaluated: 2023-09-01. Review status: criteria provided, single submitter. Criteria: Invitae Variant Classification Sherloc (09022015). Collection method: clinical testing. Allele origin: germline.
Comment: This sequence change replaces proline, which is neutral and non-polar, with arginine, which is basic and polar, at codon 878 of the COL11A1 protein (p.Pro878Arg). This variant is present in population databases (rs370974962, gnomAD 0.0009%). This variant has not been reported in the literature in individuals affected with COL11A1-related conditions. ClinVar contains an entry for this variant (Variation ID: 1352192). Advanced modeling of protein sequence and biophysical properties (such as structural, functional, and spatial information, amino acid conservation, physicochemical variation, residue mobility, and thermodynamic stability) performed at Invitae indicates that this missense variant is not expected to disrupt COL11A1 protein function. In summary, the available evidence is currently insufficient to determine the role of this variant in disease. Therefore, it has been classified as a Variant of Uncertain Significance.

Ambry Genetics
Classification: Uncertain significance for Inborn genetic diseases. Last evaluated: 2021-09-15. Review status: criteria provided, single submitter. Criteria: Ambry Variant Classification Scheme 2023. Collection method: clinical testing. Allele origin: germline.

NM_001854.4(COL11A1):c.2633C>G (p.Pro878Arg)

Gene: COL11A1 (collagen type XI alpha 1 chain; minus strand). Cytogenetic location: 1p21.1.
Variant type: single nucleotide variant.
Coding change: c.2633C>G on transcript NM_001854.4 (MANE Select); coding-DNA position 2633, C replaced by G.
Protein change: p.Pro878Arg; replaces proline 878 with arginine.
Molecular consequence: missense variant. On other transcripts: non-coding transcript variant (1).
Genome position (GRCh38, 1-based): chr1:102,979,082, G>C on the plus strand (C>G on the coding strand, the complement: COL11A1 is on the minus strand). VCF-style: chr1-102979082-G-C. GRCh37 (hg19) VCF-style: chr1-103444638-G-C.
Other names: c.2516C>G, p.Pro839Arg (NM_001190709.2); c.2669C>G, p.Pro890Arg (NM_080629.3); c.2285C>G, p.Pro762Arg (NM_080630.4); c.2633C>G (NM_001854.3); short protein forms P839R, P878R, P890R, P762R.
Identifiers: ClinVar variation 1352192 (VCV001352192.9), dbSNP rs370974962, ClinGen allele CA974350.